The following is an entry in ClinVar:

NM_001039348.3(EFEMP1):c.600G>C (p.Gln200His)

Gene: EFEMP1 (EGF-like fibulin extracellular matrix protein 1; minus strand). Cytogenetic location: 2p16.1.
Variant type: single nucleotide variant.
Coding change: c.600G>C on transcript NM_001039348.3 (MANE Select); coding-DNA position 600, G replaced by C.
Protein change: p.Gln200His; replaces glutamine 200 with histidine.
Molecular consequence: missense variant.
Genome position (GRCh38, 1-based): chr2:55,881,652, C>G on the plus strand (G>C on the coding strand, the complement: EFEMP1 is on the minus strand). VCF-style: chr2-55881652-C-G. GRCh37 (hg19) VCF-style: chr2-56108787-C-G.
Other names: c.600G>C, p.Gln200His (NM_001039349.3); short protein forms Q200H.
Identifiers: ClinVar variation 953118 (VCV000953118.10), dbSNP rs1669245586, ClinGen allele CA347029518.

ClinVar aggregate classification (germline): Uncertain significance. Review status: criteria provided, multiple submitters, no conflicts (2 of 4 stars). 2 submissions from 2 submitters: Uncertain significance (2). Last evaluated 2025-05-04.

Conditions:
Inborn genetic diseases. Identifiers: MedGen C0950123, MeSH D030342.

Allele frequency attached by ClinVar (database versions not stated): gnomAD exomes below 0.00001.
gnomAD v4.1: 2 of 1,613,930 alleles (0.00012%); highest among the groups gnomAD compares: Admixed American, 0.0033%; no homozygotes.

Submissions (2):

Labcorp Genetics (formerly Invitae), Labcorp
Classification: Uncertain significance. Last evaluated: 2025-05-04. Review status: criteria provided, single submitter. Criteria: Invitae Variant Classification Sherloc (09022015). Collection method: clinical testing. Allele origin: germline.
Comment: This sequence change replaces glutamine, which is neutral and polar, with histidine, which is basic and polar, at codon 200 of the EFEMP1 protein (p.Gln200His). This variant is not present in population databases (gnomAD no frequency). This variant has not been reported in the literature in individuals affected with EFEMP1-related conditions. ClinVar contains an entry for this variant (Variation ID: 953118). Invitae Evidence Modeling of protein sequence and biophysical properties (such as structural, functional, and spatial information, amino acid conservation, physicochemical variation, residue mobility, and thermodynamic stability) indicates that this missense variant is not expected to disrupt EFEMP1 protein function with a negative predictive value of 80%. In summary, the available evidence is currently insufficient to determine the role of this variant in disease. Therefore, it has been classified as a Variant of Uncertain Significance.

Ambry Genetics
Classification: Uncertain significance for Inborn genetic diseases. Last evaluated: 2022-12-28. Review status: criteria provided, single submitter. Criteria: Ambry Variant Classification Scheme 2023. Collection method: clinical testing. Allele origin: germline.